The following is an entry in ClinVar:

NM_001164664.2(MAST4):c.6637T>G (p.Ser2213Ala)

Gene: MAST4 (microtubule associated serine/threonine kinase family member 4; plus strand). Cytogenetic location: 5q12.3.
Variant type: single nucleotide variant.
Coding change: c.6637T>G on transcript NM_001164664.2 (MANE Select); coding-DNA position 6637, T replaced by G.
Protein change: p.Ser2213Ala; replaces serine 2213 with alanine.
Molecular consequence: missense variant.
Genome position (GRCh38, 1-based): chr5:67,165,816, T>G. VCF-style: chr5-67165816-T-G. GRCh37 (hg19) VCF-style: chr5-66461644-T-G.
Other names: c.6019T>G, p.Ser2007Ala (NM_001290226.2); c.5854T>G, p.Ser1952Ala (NM_001290227.2, NM_001393527.1); c.6055T>G, p.Ser2019Ala (NM_001297651.2); c.6646T>G, p.Ser2216Ala (NM_001393524.1); c.6436T>G, p.Ser2146Ala (NM_001393525.1); c.5869T>G, p.Ser1957Ala (NM_001393526.1); c.5833T>G, p.Ser1945Ala (NM_001393528.1); c.6070T>G, p.Ser2024Ala (NM_015183.3); short protein forms S1945A, S1952A, S1957A, S2007A, S2019A, S2024A, S2146A, S2213A.
Identifiers: ClinVar variation 5038590 (VCV005038590.1).

ClinVar aggregate classification (germline): Likely benign (1 of 4 stars; one submission).

gnomAD v4.1: 1,036 of 1,612,548 alleles (0.064%); highest among the groups gnomAD compares: African/African-American, 1.2%; 9 homozygotes.

Submission:

CeGaT Center for Human Genetics Tuebingen
Classification: Likely benign. Last evaluated: 2026-08-01. Review status: criteria provided, single submitter. Criteria: CeGaT Center For Human Genetics Tuebingen Variant Classification Criteria Version 2. Collection method: clinical testing. Allele origin: germline. Affected: yes. Observed: 1 variant allele.
Comment: MAST4: BP4, BS1